The following is an entry in ClinVar:

ClinVar aggregate classification (germline): Uncertain significance. Review status: criteria provided, multiple submitters, no conflicts (2 of 4 stars). 2 submissions from 2 submitters: Uncertain significance (2). Last evaluated 2025-04-09.

Conditions:
Cardiomyopathy (CMYO). Also called: Cardiomyopathies. Identifiers: Orphanet 167848, MedGen C0878544, MONDO:0004994, HP:0001638. Inheritance: Various modes of inheritance.
Cardiovascular phenotype. Identifiers: MedGen CN230736.

Allele frequency attached by ClinVar (database versions not stated): gnomAD exomes below 0.00001; TOPMed below 0.00001.

Submissions (2):

Molecular Diagnostic Laboratory for Inherited Cardiovascular Disease, Montreal Heart Institute
Classification: Uncertain significance for Cardiovascular phenotype. Last evaluated: 2025-04-09. Review status: criteria provided, single submitter. Criteria: ACMG Guidelines, 2015. Collection method: clinical testing. Allele origin: germline. Affected: yes.
Comment: PM2

Color Diagnostics, LLC DBA Color Health
Classification: Uncertain significance for Cardiomyopathy. Last evaluated: 2019-12-18. Review status: criteria provided, single submitter. Criteria: ACMG Guidelines, 2015. Collection method: clinical testing. Allele origin: germline.
Comment: This variant is located in the 3' untranslated region of the ACTC1 gene. To our knowledge, functional studies have not been performed for this variant. This variant has not been reported in individuals affected with cardiovascular disorders in the literature. This variant has been identified in 1/251472 chromosomes in the general population by the Genome Aggregation Database (gnomAD). The available evidence is insufficient to determine the role of this variant in disease conclusively. Therefore, this variant is classified as a Variant of Uncertain Significance.

NM_005159.5(ACTC1):c.*1G>T

Genes: ACTC1 (actin alpha cardiac muscle 1; minus strand), GJD2-DT (GJD2 divergent transcript; plus strand). Cytogenetic location: 15q14.
Variant type: single nucleotide variant.
Coding change: c.*1G>T on transcript NM_005159.5 (MANE Select); 1 bases downstream of the stop codon, G replaced by T.
Molecular consequence: 3 prime UTR variant.
Genome position (GRCh38, 1-based): chr15:34,790,411, C>A on the plus strand (G>T on the coding strand, the complement: ACTC1 is on the minus strand). VCF-style: chr15-34790411-C-A. GRCh37 (hg19) VCF-style: chr15-35082612-C-A.
Identifiers: ClinVar variation 926175 (VCV000926175.4), dbSNP rs1226132498, ClinGen allele CA712278288.